The following is an entry in ClinVar:

NM_001024630.4(RUNX2):c.422dup (p.Val142fs)

Gene: RUNX2 (RUNX family transcription factor 2; plus strand). Cytogenetic location: 6p21.1.
Variant type: Duplication.
Coding change: c.422dup on transcript NM_001024630.4 (MANE Select); coding-DNA position 422, one base duplicated (A; older notation c.422dupA).
Protein change: p.Val142fs; shifts the reading frame from valine 142.
Molecular consequence: frameshift variant.
Genome position (GRCh38, 1-based): chr6:45,422,956, A duplicated; the last of 2 consecutive A bases (chr6:45,422,955-45,422,956); duplicating either gives the same sequence. VCF-style (leftmost placement, unchanged base first): chr6-45422954-C-CA. GRCh37 (hg19) VCF-style: chr6-45390691-C-CA.
Other names: c.422dup, p.Val142fs (NM_001015051.4); c.380dup, p.Val128fs (NM_001278478.2, NM_001369405.1); short protein forms V128fs, V142fs.
Identifiers: ClinVar variation 1456922 (VCV001456922.6), dbSNP rs2150362678, ClinGen allele CA2573140920.
Genomic context (GRCh38, chr6:45,422,954, plus strand): 5'-CTTCCTGTGCTCGGTGCTGCCCTCGCACTGGCGCTGCAACAAGACCCTGCCCGTGGCCTT[C>CA]AAGGTAAGAGGCTACACCGCCCCCCGCCCCCGGCCGGGAGCGGCGGAACCTGCCCGCCGG-3'

ClinVar aggregate classification (germline): Pathogenic (1 of 4 stars; one submission).

Submission:

Labcorp Genetics (formerly Invitae), Labcorp
Classification: Pathogenic. Last evaluated: 2021-10-15. Review status: criteria provided, single submitter. Criteria: Invitae Variant Classification Sherloc (09022015). Collection method: clinical testing. Allele origin: germline.
Comment: For these reasons, this variant has been classified as Pathogenic. This variant has not been reported in the literature in individuals affected with RUNX2-related conditions. This variant is not present in population databases (ExAC no frequency). This sequence change creates a premature translational stop signal (p.Val142Glyfs*19) in the RUNX2 gene. It is expected to result in an absent or disrupted protein product. Loss-of-function variants in RUNX2 are known to be pathogenic (PMID: 10521292, 11857736).

Literature cited by the submitters: PubMed 10521292; PubMed 11857736.